The following is an entry in ClinVar:

NM_006415.4(SPTLC1):c.643G>A (p.Ala215Thr)

Gene: SPTLC1 (serine palmitoyltransferase long chain base subunit 1; minus strand). Cytogenetic location: 9q22.31.
Variant type: single nucleotide variant.
Coding change: c.643G>A on transcript NM_006415.4 (MANE Select); coding-DNA position 643, G replaced by A.
Protein change: p.Ala215Thr; replaces alanine 215 with threonine.
Molecular consequence: missense variant.
Genome position (GRCh38, 1-based): chr9:92,059,226, C>T on the plus strand (G>A on the coding strand, the complement: SPTLC1 is on the minus strand). VCF-style: chr9-92059226-C-T. GRCh37 (hg19) VCF-style: chr9-94821508-C-T.
Other names: c.643G>A, p.Ala215Thr (NM_001281303.2); c.277G>A, p.Ala93Thr (NM_001368272.1); c.178G>A, p.Ala60Thr (NM_001368273.1); short protein forms A60T, A93T, A215T.
Identifiers: ClinVar variation 5008707 (VCV005008707.1).

ClinVar aggregate classification (germline): Uncertain significance (1 of 4 stars; one submission).

Submission:

GeneDx
Classification: Uncertain significance. Last evaluated: 2026-03-06. Review status: criteria provided, single submitter. Criteria: GeneDx Variant Classification Process June 2021. Collection method: clinical testing. Allele origin: germline.
Comment: Not observed at significant frequency in large population cohorts (gnomAD); In silico analysis suggests that this missense variant does not alter protein structure/function; Has not been previously published as pathogenic or benign to our knowledge